The following is an entry in ClinVar:

ClinVar aggregate classification (germline): Pathogenic (1 of 4 stars; one submission).

Submission:

ISCA site 4
Classification: Pathogenic. Last evaluated: 2011-08-12. Review status: criteria provided, single submitter. Criteria: Kaminsky et al. (Genet Med. 2011). Collection method: clinical testing. Allele origin: de novo. Affected: yes. Observed: 1 variant allele.
Comment: Copy number variation identified through the course of routine clinical cytogenomic testing in postnatal populations. Clinical assertions have been curated as described in Kaminsky et al. 2011.

GRCh38/hg38 17q12(chr17:36357258-37889296)x1

Genes: AATF (apoptosis antagonizing transcription factor; plus strand), ACACA (acetyl-CoA carboxylase alpha; minus strand), C17orf78 (chromosome 17 open reading frame 78; plus strand), DDX52 (DExD-box helicase 52; minus strand), DHRS11 (dehydrogenase/reductase 11; plus strand) and 32 more. Cytogenetic location: 17q12.
Variant type: copy number loss.
Change: copy number 1 (one copy instead of two) of chr17:36,357,258-37,889,296 (1.53 Mb, GRCh38 coordinates, 1-based), cytogenetic band 17q12.
Identifiers: ClinVar variation 161041 (VCV000161041.1).